The following is an entry in ClinVar:

ClinVar aggregate classification (germline): Pathogenic (1 of 4 stars; one submission).

Conditions:
Cerebral cavernous malformation (CCM). Also called: Cerebral cavernous malformations; Cerebral cavernous hemangioma (type); CAVERNOUS ANGIOMA, FAMILIAL; CAVERNOUS ANGIOMATOUS MALFORMATIONS; CEREBRAL CAPILLARY MALFORMATIONS; Cavernous Hemangioma of Brain. Identifiers: Orphanet 221061, MedGen C2919945, MONDO:0000820, OMIM 116860, HP:0033522.

Submission:

Labcorp Genetics (formerly Invitae), Labcorp
Classification: Pathogenic for Cerebral cavernous malformation. Last evaluated: 2025-05-22. Review status: criteria provided, single submitter. Criteria: Invitae Variant Classification Sherloc (09022015). Collection method: clinical testing. Allele origin: germline.
Comment: This sequence change creates a premature translational stop signal (p.His571Glnfs*7) in the KRIT1 gene. It is expected to result in an absent or disrupted protein product. Loss-of-function variants in KRIT1 are known to be pathogenic (PMID: 10508515, 11222804, 12404106, 24689081). This variant is not present in population databases (gnomAD no frequency). This variant has not been reported in the literature in individuals affected with KRIT1-related conditions. ClinVar contains an entry for this variant (Variation ID: 1438879). For these reasons, this variant has been classified as Pathogenic.

Literature cited by the submitters: PubMed 10508515; PubMed 11222804; PubMed 12404106; PubMed 24689081.

NM_194454.3(KRIT1):c.1713_1714del (p.His571fs)

Gene: KRIT1 (KRIT1 ankyrin repeat containing; minus strand). Cytogenetic location: 7q21.2.
Variant type: Microsatellite.
Coding change: c.1713_1714del on transcript NM_194454.3 (MANE Select); coding-DNA positions 1713 to 1714, 2 bases deleted (CA; older notation c.1713_1714delCA).
Protein change: p.His571fs; shifts the reading frame from histidine 571.
Molecular consequence: frameshift variant.
Genome position (GRCh38, 1-based): chr7:92,214,627-92,214,628, TG deleted on the plus strand (CA on the coding strand, the reverse complement: KRIT1 is on the minus strand); deleting any 2 consecutive bases within chr7:92,214,627-92,214,631 gives the same sequence; the c. name uses the placement nearest the transcript's 3' end. VCF-style (leftmost placement, unchanged base first): chr7-92214626-TTG-T. GRCh37 (hg19) VCF-style: chr7-91843940-TTG-T.
Other names: c.1569_1570del, p.His523fs (NM_001013406.2, NM_001350669.1, NM_001350670.1); c.999_1000del, p.His333fs (NM_001350671.1); c.1713_1714del, p.His571fs (NM_001350672.1, NM_001350673.1, NM_001350674.1 and 26 more transcripts); short protein forms H333fs, H571fs, H523fs.
Identifiers: ClinVar variation 1438879 (VCV001438879.6), dbSNP rs2131326123, ClinGen allele CA2580615923.
Genomic context (GRCh38, chr7:92,214,626, plus strand): 5'-AATCTTAAGCATAGCACAAGACCATGCATAATATTAAATACTTACTTTAGGAAACCTTGC[TTG>T]TGTTTTTTACTCTCATAATTTCCATAGACTATTTGCAAAAGCAGACTTGCCAATGTTATC-3'